The following is an entry in ClinVar:

NM_006277.3(ITSN2):c.282G>A (p.Gln94=)

Gene: ITSN2 (intersectin 2; minus strand). Cytogenetic location: 2p23.3.
Variant type: single nucleotide variant.
Coding change: c.282G>A on transcript NM_006277.3 (MANE Select); coding-DNA position 282, G replaced by A.
Protein change: p.Gln94=; no amino-acid change (glutamine 94 retained).
Molecular consequence: synonymous variant.
Genome position (GRCh38, 1-based): chr2:24,312,282, C>T on the plus strand (G>A on the coding strand, the complement: ITSN2 is on the minus strand). VCF-style: chr2-24312282-C-T. GRCh37 (hg19) VCF-style: chr2-24535151-C-T.
Other names: c.240G>A, p.Gln80= (NM_001348181.2, NM_001348184.2); c.282G>A, p.Gln94= (NM_001348182.2, NM_001348183.2, NM_001348185.2 and 3 more transcripts).
Identifiers: ClinVar variation 3061633 (VCV003061633.2), dbSNP rs2465871504, ClinGen allele CA425160320.

ClinVar aggregate classification (germline): Likely benign (0 of 4 stars; one submission).

Conditions:
ITSN2-related disorder. Also called: ITSN2-related condition.

Submission:

PreventionGenetics, part of Exact Sciences
Classification: Likely benign for ITSN2-related condition. Last evaluated: 2021-09-16. Review status: no assertion criteria provided. Collection method: clinical testing. Allele origin: germline.
Comment: This variant is classified as likely benign based on ACMG/AMP sequence variant interpretation guidelines (Richards et al. 2015 PMID: 25741868, with internal and published modifications).